The following is an entry in ClinVar:

ClinVar aggregate classification (germline): Pathogenic. Review status: reviewed by expert panel (3 of 4 stars). 7 submissions from 7 submitters: Pathogenic (1). 6 of the submissions do not count toward it. Last evaluated 2016-10-18.

Conditions:
Hereditary cancer-predisposing syndrome. Also called: Tumor predisposition; Neoplastic Syndromes, Hereditary; Hereditary Cancer Syndrome; Hereditary neoplastic syndrome. Identifiers: Orphanet 140162, MedGen C0027672, MeSH D009386, MONDO:0015356.
Hereditary breast ovarian cancer syndrome. Also called: Hereditary breast and ovarian cancer syndrome (HBOC); Hereditary breast and ovarian cancer syndrome; Hereditary breast and ovarian cancer; Hereditary breast and/or ovarian cancer syndrome; Breast and ovarian cancer; BRCA1- and BRCA2-Associated Hereditary Breast and Ovarian Cancer. Identifiers: Orphanet 145, MedGen C0677776, MeSH D061325, MONDO:0003582. Disease mechanism: loss of function.
Breast-ovarian cancer, familial, susceptibility to, 1 (BROVCA1). Also called: OVARIAN CANCER, SUSCEPTIBILITY TO; BRCA1 Hereditary Breast and Ovarian Cancer. Identifiers: Orphanet 145, MedGen C2676676, MONDO:0011450, OMIM 604370. Disease mechanism: loss of function.

Submissions (7):

Evidence-based Network for the Interpretation of Germline Mutant Alleles (ENIGMA)
Classification: Pathogenic for Breast-ovarian cancer, familial, susceptibility to, 1. Last evaluated: 2016-10-18. Review status: reviewed by expert panel. Criteria: ENIGMA BRCA1/2 Classification Criteria (2015). Collection method: curation. Allele origin: germline.
Comment: Variant allele predicted to encode a truncated non-functional protein.

KCCC/NGS Laboratory, Kuwait Cancer Control Center
Classification: Pathogenic for Breast-ovarian cancer, familial, susceptibility to, 1. Last evaluated: 2023-07-18. Review status: criteria provided, single submitter. Criteria: ACMG Guidelines, 2015. Collection method: clinical testing. Allele origin: unknown. Inheritance: Autosomal dominant inheritance. Affected: yes. Observed: 1 heterozygote. Not counted in ClinVar's aggregate classification.
Comment: This sequence change creates a premature translational stop signal (p.Lys731Argfs*7) in the BRCA1 gene. It is expected to result in an absent or disrupted protein product. Loss-of-function variants in BRCA1 are known to be pathogenic (PMID: 20104584). This variant is not present in population databases (gnomAD no frequency). This premature translational stop signal has been observed in individual(s) with breast cancer (PMID: 22034289). This variant is also known as 2311delAAGAA. ClinVar contains an entry for this variant (Variation ID: 54490) classified as pathogenic . For these reasons, this variant has been classified as Pathogenic.

Ambry Genetics
Classification: Pathogenic for Hereditary cancer-predisposing syndrome. Last evaluated: 2023-07-13. Review status: criteria provided, single submitter. Criteria: Ambry Variant Classification Scheme 2023. Collection method: clinical testing. Allele origin: germline. Not counted in ClinVar's aggregate classification.
Comment: The c.2192_2196delAAGAA pathogenic mutation, located in coding exon 9 of the BRCA1 gene, results from a deletion of 5 nucleotides at nucleotide positions 2192 to 2196, causing a translational frameshift with a predicted alternate stop codon (p.K731Rfs*7). This mutation has been reported in a large cohort of families with BRCA1 and BRCA2 mutations (Rebbeck TR et al. Hum. Mutat., 2018 May;39:593-620). This mutation was also observed with an allele frequency of 0.00014 in 7,051 unselected breast cancer patients and with an allele frequency of 0.00 in 11,241 female controls of Japanese ancestry (Momozawa Y et al. Nat Commun, 2018 10;9:4083). In addition to the clinical data presented in the literature, this alteration is expected to result in loss of function by premature protein truncation or nonsense-mediated mRNA decay. As such, this alteration is interpreted as a disease-causing mutation.

Labcorp Genetics (formerly Invitae), Labcorp
Classification: Pathogenic for Hereditary breast ovarian cancer syndrome. Last evaluated: 2022-01-22. Review status: criteria provided, single submitter. Criteria: Invitae Variant Classification Sherloc (09022015). Collection method: clinical testing. Allele origin: germline. Not counted in ClinVar's aggregate classification.
Comment: This sequence change creates a premature translational stop signal (p.Lys731Argfs*7) in the BRCA1 gene. It is expected to result in an absent or disrupted protein product. Loss-of-function variants in BRCA1 are known to be pathogenic (PMID: 20104584). This variant is not present in population databases (gnomAD no frequency). This premature translational stop signal has been observed in individual(s) with breast cancer (PMID: 22034289). This variant is also known as 2311delAAGAA. ClinVar contains an entry for this variant (Variation ID: 54490). For these reasons, this variant has been classified as Pathogenic.

Color Diagnostics, LLC DBA Color Health
Classification: Pathogenic for Hereditary cancer-predisposing syndrome. Last evaluated: 2020-01-15. Review status: criteria provided, single submitter. Criteria: ACMG Guidelines, 2015. Collection method: clinical testing. Allele origin: germline. Not counted in ClinVar's aggregate classification.
Comment: This variant deletes 5 nucleotides in exon 10 of the BRCA1 gene, creating a frameshift and premature translation stop signal. This variant is expected to result in an absent or non-functional protein product. This variant has not been identified in the general population by the Genome Aggregation Database (gnomAD). Loss of BRCA1 function is a known mechanism of disease. Based on the available evidence, this variant is classified as Pathogenic.

Molecular Genetics Laboratory, University of Michigan
Classification: Pathogenic for Breast-ovarian cancer, familial, susceptibility to, 1. Last evaluated: 2016-04-21. Review status: criteria provided, single submitter. Criteria: ACMG Guidelines, 2015. Collection method: clinical testing. Allele origin: germline. Affected: yes. Not counted in ClinVar's aggregate classification.

Consortium of Investigators of Modifiers of BRCA1/2 (CIMBA), c/o University of Cambridge
Classification: Pathogenic for Breast-ovarian cancer, familial, susceptibility to, 1. Last evaluated: 2015-10-02. Review status: criteria provided, single submitter. Criteria: CIMBA Mutation Classification guidelines May 2016. Collection method: clinical testing. Allele origin: germline. Not counted in ClinVar's aggregate classification.

Literature cited by the submitters: PubMed 22034289 (cited by Ambry Genetics and Labcorp Genetics (formerly Invitae), Labcorp); PubMed 29446198 (cited by Ambry Genetics); PubMed 30287823 (cited by Ambry Genetics); PubMed 20104584 (cited by Labcorp Genetics (formerly Invitae), Labcorp).

NM_007294.4(BRCA1):c.2192_2196del (p.Lys731fs)

Gene: BRCA1 (BRCA1 DNA repair associated; minus strand). Cytogenetic location: 17q21.31.
Variant type: Deletion.
Coding change: c.2192_2196del on transcript NM_007294.4 (MANE Select); coding-DNA positions 2192 to 2196, 5 bases deleted (AAGAA; older notation c.2192_2196delAAGAA).
Protein change: p.Lys731fs; shifts the reading frame from lysine 731.
Molecular consequence: frameshift variant. On other transcripts: intron variant (137).
Genome position (GRCh38, 1-based): chr17:43,093,335-43,093,339, TTCTT deleted on the plus strand (AAGAA on the coding strand, the reverse complement: BRCA1 is on the minus strand); deleting any 5 consecutive bases within chr17:43,093,335-43,093,341 gives the same sequence; the c. name uses the placement nearest the transcript's 3' end. VCF-style (leftmost placement, unchanged base first): chr17-43093334-CTTCTT-C. GRCh37 (hg19) VCF-style: chr17-41245351-CTTCTT-C.
Other names: 2311delAAGAA; c.2192_2196delAAGAA (NM_007294.3); c.2069_2073del, p.Lys690fs (NM_001407680.1, NM_001407681.1, NM_001407682.1 and 19 more transcripts); c.2192_2196del, p.Lys731fs (NM_001407684.1, NM_001407854.1, NM_001407858.1 and 30 more transcripts); c.2066_2070del, p.Lys689fs (NM_001407685.1, NM_001407686.1, NM_001407687.1 and 11 more transcripts); c.2051_2055del, p.Lys684fs (NM_001407692.1, NM_001407694.1, NM_001407695.1 and 29 more transcripts); c.2048_2052del, p.Lys683fs (NM_001407740.1, NM_001407741.1, NM_001407742.1 and 20 more transcripts); c.1979_1983del, p.Lys660fs (NM_001407853.1, NM_001407894.1, NM_001407895.1 and 9 more transcripts); and 43 more; short protein forms K684fs, K731fs, K603fs, K619fs, K690fs, K705fs, K435fs, K660fs.
Identifiers: ClinVar variation 54490 (VCV000054490.20), dbSNP rs397508946, ClinGen allele CA001462.